The following is an entry in ClinVar:

NM_016188.5(ACTL6B):c.833A>G (p.Gln278Arg)

Gene: ACTL6B (actin like 6B; minus strand). Cytogenetic location: 7q22.1.
Variant type: single nucleotide variant.
Coding change: c.833A>G on transcript NM_016188.5 (MANE Select); coding-DNA position 833, A replaced by G.
Protein change: p.Gln278Arg; replaces glutamine 278 with arginine.
Molecular consequence: missense variant. On other transcripts: non-coding transcript variant (1).
Genome position (GRCh38, 1-based): chr7:100,647,074, T>C on the plus strand (A>G on the coding strand, the complement: ACTL6B is on the minus strand). VCF-style: chr7-100647074-T-C. GRCh37 (hg19) VCF-style: chr7-100244697-T-C.
Other names: short protein forms Q278R.
Identifiers: ClinVar variation 2501598 (VCV002501598.1), dbSNP rs2486158168, ClinGen allele CA368543296.

ClinVar aggregate classification (germline): Uncertain significance (1 of 4 stars; one submission).

Submission:

GeneDx
Classification: Uncertain significance. Last evaluated: 2022-11-02. Review status: criteria provided, single submitter. Criteria: GeneDx Variant Classification Process June 2021. Collection method: clinical testing. Allele origin: germline. Affected: yes.
Comment: Not observed at significant frequency in large population cohorts (gnomAD); In silico analysis supports that this missense variant does not alter protein structure/function; Has not been previously published as pathogenic or benign to our knowledge